The following is an entry in ClinVar:

NM_015375.3(DSTYK):c.2114C>T (p.Pro705Leu)

Gene: DSTYK (dual serine/threonine and tyrosine protein kinase; minus strand). Cytogenetic location: 1q32.1.
Variant type: single nucleotide variant.
Coding change: c.2114C>T on transcript NM_015375.3 (MANE Select); coding-DNA position 2114, C replaced by T.
Protein change: p.Pro705Leu; replaces proline 705 with leucine.
Molecular consequence: missense variant.
Genome position (GRCh38, 1-based): chr1:205,159,671, G>A on the plus strand (C>T on the coding strand, the complement: DSTYK is on the minus strand). VCF-style: chr1-205159671-G-A. GRCh37 (hg19) VCF-style: chr1-205128799-G-A.
Other names: c.2114C>T, p.Pro705Leu (NM_199462.3); short protein forms P705L.
Identifiers: ClinVar variation 2963646 (VCV002963646.3), dbSNP rs201385262, ClinGen allele CA1352654.

ClinVar aggregate classification (germline): Uncertain significance (1 of 4 stars; one submission).

Allele frequency attached by ClinVar (database versions not stated): ExAC 0.00002; TOPMed below 0.00001; gnomAD 0.00001.
gnomAD v4.1: 10 of 1,613,224 alleles (0.00062%); highest among the groups gnomAD compares: East Asian, 0.0022%; no homozygotes.

Submission:

Labcorp Genetics (formerly Invitae), Labcorp
Classification: Uncertain significance. Last evaluated: 2025-03-03. Review status: criteria provided, single submitter. Criteria: Invitae Variant Classification Sherloc (09022015). Collection method: clinical testing. Allele origin: germline.
Comment: This sequence change replaces proline, which is neutral and non-polar, with leucine, which is neutral and non-polar, at codon 705 of the DSTYK protein (p.Pro705Leu). This variant is present in population databases (rs201385262, gnomAD 0.006%). This variant has not been reported in the literature in individuals affected with DSTYK-related conditions. ClinVar contains an entry for this variant (Variation ID: 2963646). An algorithm developed to predict the effect of missense changes on protein structure and function (PolyPhen-2) suggests that this variant is likely to be disruptive. In summary, the available evidence is currently insufficient to determine the role of this variant in disease. Therefore, it has been classified as a Variant of Uncertain Significance.